The following is an entry in ClinVar:

ClinVar aggregate classification (germline): Uncertain significance (1 of 4 stars; one submission).

Conditions:
Inborn genetic diseases. Identifiers: MedGen C0950123, MeSH D030342.

Submission:

Ambry Genetics
Classification: Uncertain significance for Inborn genetic diseases. Last evaluated: 2025-03-11. Review status: criteria provided, single submitter. Criteria: Ambry Variant Classification Scheme 2023. Collection method: clinical testing. Allele origin: germline.
Comment: The p.D796N variant (also known as c.2386G>A), located in coding exon 20 of the KDM1A gene, results from a G to A substitution at nucleotide position 2386. The aspartic acid at codon 796 is replaced by asparagine, an amino acid with highly similar properties. This amino acid position is conserved. In addition, the in silico prediction for this alteration is inconclusive. Based on the available evidence, the clinical significance of this variant remains unclear.

NM_001009999.3(KDM1A):c.2386G>A (p.Asp796Asn)

Gene: KDM1A (lysine demethylase 1A; plus strand). Cytogenetic location: 1p36.12.
Variant type: single nucleotide variant.
Coding change: c.2386G>A on transcript NM_001009999.3 (MANE Select); coding-DNA position 2386, G replaced by A.
Protein change: p.Asp796Asn; replaces aspartic acid 796 with asparagine.
Molecular consequence: missense variant.
Genome position (GRCh38, 1-based): chr1:23,082,307, G>A. VCF-style: chr1-23082307-G-A. GRCh37 (hg19) VCF-style: chr1-23408800-G-A.
Other names: c.2332G>A, p.Asp778Asn (NM_001363654.2); c.2392G>A, p.Asp798Asn (NM_001410762.1); c.2314G>A, p.Asp772Asn (NM_001410763.1, NM_015013.4); short protein forms D772N, D796N, D778N, D798N.
Identifiers: ClinVar variation 3863371 (VCV003863371.1).